The following is an entry in ClinVar:

ClinVar aggregate classification (germline): Uncertain significance (1 of 4 stars; one submission).

Conditions:
Inborn genetic diseases. Identifiers: MedGen C0950123, MeSH D030342.

Submission:

Ambry Genetics
Classification: Uncertain significance for Inborn genetic diseases. Last evaluated: 2023-02-10. Review status: criteria provided, single submitter. Criteria: Ambry Variant Classification Scheme 2023. Collection method: clinical testing. Allele origin: germline.
Comment: The p.V269M variant (also known as c.805G>A), located in coding exon 7 of the LRRK2 gene, results from a G to A substitution at nucleotide position 805. The valine at codon 269 is replaced by methionine, an amino acid with highly similar properties. This amino acid position is conserved. In addition, the in silico prediction for this alteration is inconclusive. Since supporting evidence is limited at this time, the clinical significance of this alteration remains unclear.

NM_198578.4(LRRK2):c.805G>A (p.Val269Met)

Gene: LRRK2 (leucine rich repeat kinase 2; plus strand). Cytogenetic location: 12q12.
Variant type: single nucleotide variant.
Coding change: c.805G>A on transcript NM_198578.4 (MANE Select); coding-DNA position 805, G replaced by A.
Protein change: p.Val269Met; replaces valine 269 with methionine.
Molecular consequence: missense variant.
Genome position (GRCh38, 1-based): chr12:40,243,648, G>A. VCF-style: chr12-40243648-G-A. GRCh37 (hg19) VCF-style: chr12-40637450-G-A.
Other names: short protein forms V269M.
Identifiers: ClinVar variation 3229803 (VCV003229803.1), dbSNP rs537408433, ClinGen allele CA384406036.
Genomic context (GRCh38, chr12:40,243,648, plus strand): 5'-TGTTATAATATTGTGGTGGAAGCTATGAAAGCATTCCCTATGAGTGAAAGAATTCAAGAA[G>A]TGAGTTGCTGTTTGCTCCATAGGCTTACATTAGGTGAGTTTCTTAGTTAATATGTCATCA-3'
Protein context (NP_940980.4, residues 259-279): AFPMSERIQE[Val269Met]SCCLLHRLTL